The following is an entry in ClinVar:

NM_001370259.2(MEN1):c.1402G>A (p.Glu468Lys)

Gene: MEN1 (menin 1; minus strand). Cytogenetic location: 11q13.1.
Variant type: single nucleotide variant.
Coding change: c.1402G>A on transcript NM_001370259.2 (MANE Select); coding-DNA position 1402, G replaced by A.
Protein change: p.Glu468Lys; replaces glutamic acid 468 with lysine.
Molecular consequence: missense variant.
Genome position (GRCh38, 1-based): chr11:64,804,765, C>T on the plus strand (G>A on the coding strand, the complement: MEN1 is on the minus strand). VCF-style: chr11-64804765-C-T. GRCh37 (hg19) VCF-style: chr11-64572237-C-T.
Other names: c.1417G>A, p.Glu473Lys (NM_000244.4, NM_130800.3, NM_130801.3 and 3 more transcripts); c.1528G>A, p.Glu510Lys (NM_001370251.2); c.1402G>A, p.Glu468Lys (NM_001370260.2, NM_001370261.2, NM_130799.3); c.1297G>A, p.Glu433Lys (NM_001370262.2, NM_001370263.2); short protein forms E433K, E473K, E468K, E510K.
Identifiers: ClinVar variation 837786 (VCV000837786.12), dbSNP rs1471493357, ClinGen allele CA381179632.

ClinVar aggregate classification (germline): Uncertain significance. Review status: criteria provided, multiple submitters, no conflicts (2 of 4 stars). 4 submissions from 4 submitters: Uncertain significance (4). Last evaluated 2025-09-23.

Conditions:
Multiple endocrine neoplasia, type 1 (MEN1). Also called: MEA I; MEN I; WERMER SYNDROME; Endocrine adenomatosis multiple; MEN 1. Identifiers: Orphanet 652, MedGen C0025267, MeSH D018761, MONDO:0007540, OMIM 131100.
Hereditary cancer-predisposing syndrome. Also called: Neoplastic Syndromes, Hereditary; Hereditary neoplastic syndrome; Tumor predisposition; Hereditary Cancer Syndrome. Identifiers: Orphanet 140162, MedGen C0027672, MeSH D009386, MONDO:0015356.

Allele frequency attached by ClinVar (database versions not stated): gnomAD exomes below 0.00001; TOPMed 0.00001.
gnomAD v4.1: 1 of 1,596,936 alleles (0.000063%); highest among the groups gnomAD compares: Non-Finnish European, 0.000085%; no homozygotes.

Submissions (4):

Color Diagnostics, LLC DBA Color Health
Classification: Uncertain significance for Multiple endocrine neoplasia, type 1. Last evaluated: 2025-09-23. Review status: criteria provided, single submitter. Criteria: ACMG Guidelines, 2015. Collection method: clinical testing. Allele origin: germline.
Comment: This missense variant replaces glutamic acid with lysine at codon 468 of the MEN1 protein. Computational predictions are inconclusive regarding the impact of this variant on protein structure and function. To our knowledge, functional studies have not been reported for this variant. This variant has not been reported in individuals affected with MEN1-related disorders in the literature. This variant has not been identified in the general population by the Genome Aggregation Database (gnomAD). The available evidence is insufficient to determine the role of this variant in disease conclusively. Therefore, this variant is classified as a Variant of Uncertain Significance.

Ambry Genetics
Classification: Uncertain significance for Hereditary cancer-predisposing syndrome. Last evaluated: 2025-08-18. Review status: criteria provided, single submitter. Criteria: Ambry Variant Classification Scheme 2023. Collection method: clinical testing. Allele origin: germline.
Comment: The p.E468K variant (also known as c.1402G>A), located in coding exon 9 of the MEN1 gene, results from a G to A substitution at nucleotide position 1402. The glutamic acid at codon 468 is replaced by lysine, an amino acid with similar properties. This amino acid position is well conserved in available vertebrate species. In addition, the in silico prediction for this alteration is inconclusive. Based on the available evidence, the clinical significance of this variant remains unclear.

Labcorp Genetics (formerly Invitae), Labcorp
Classification: Uncertain significance for Multiple endocrine neoplasia, type 1. Last evaluated: 2024-11-06. Review status: criteria provided, single submitter. Criteria: Invitae Variant Classification Sherloc (09022015). Collection method: clinical testing. Allele origin: germline.
Comment: This sequence change replaces glutamic acid, which is acidic and polar, with lysine, which is basic and polar, at codon 468 of the MEN1 protein (p.Glu468Lys). This variant is not present in population databases (gnomAD no frequency). This variant has not been reported in the literature in individuals affected with MEN1-related conditions. ClinVar contains an entry for this variant (Variation ID: 837786). Invitae Evidence Modeling of protein sequence and biophysical properties (such as structural, functional, and spatial information, amino acid conservation, physicochemical variation, residue mobility, and thermodynamic stability) indicates that this missense variant is not expected to disrupt MEN1 protein function with a negative predictive value of 80%. In summary, the available evidence is currently insufficient to determine the role of this variant in disease. Therefore, it has been classified as a Variant of Uncertain Significance.

GeneDx
Classification: Uncertain significance. Last evaluated: 2024-03-01. Review status: criteria provided, single submitter. Criteria: GeneDx Variant Classification Process June 2021. Collection method: clinical testing. Allele origin: germline. Affected: yes.
Comment: Not observed at significant frequency in large population cohorts (gnomAD); In silico analysis supports that this missense variant does not alter protein structure/function; Has not been previously published as pathogenic or benign to our knowledge; This variant is associated with the following publications: (PMID: 11526476, 11274402)